The following is an entry in ClinVar:

NM_002905.5(RDH5):c.403G>A (p.Val135Met)

Genes: BLOC1S1-RDH5 (BLOC1S1-RDH5 readthrough; plus strand), RDH5 (retinol dehydrogenase 5; plus strand). Cytogenetic location: 12q13.2.
Variant type: single nucleotide variant.
Coding change: c.403G>A on transcript NM_002905.5 (MANE Select); coding-DNA position 403, G replaced by A.
Protein change: p.Val135Met; replaces valine 135 with methionine.
Molecular consequence: missense variant. On other transcripts: non-coding transcript variant (1).
Genome position (GRCh38, 1-based): chr12:55,721,781, G>A. VCF-style: chr12-55721781-G-A. GRCh37 (hg19) VCF-style: chr12-56115565-G-A.
Other names: c.403G>A, p.Val135Met (NM_001199771.3); short protein forms V135M.
Identifiers: ClinVar variation 1994814 (VCV001994814.4), dbSNP rs2540003783, ClinGen allele CA385200759.

ClinVar aggregate classification (germline): Uncertain significance (1 of 4 stars; one submission).

Allele frequency attached by ClinVar (database versions not stated): gnomAD exomes below 0.00001.
gnomAD v4.1: 1 of 1,614,052 alleles (0.000062%); highest among the groups gnomAD compares: Non-Finnish European, 0.000085%; no homozygotes.

Submission:

Labcorp Genetics (formerly Invitae), Labcorp
Classification: Uncertain significance. Last evaluated: 2024-10-07. Review status: criteria provided, single submitter. Criteria: Invitae Variant Classification Sherloc (09022015). Collection method: clinical testing. Allele origin: germline.
Comment: This sequence change replaces valine, which is neutral and non-polar, with methionine, which is neutral and non-polar, at codon 135 of the RDH5 protein (p.Val135Met). This variant is not present in population databases (gnomAD no frequency). This variant has not been reported in the literature in individuals affected with RDH5-related conditions. ClinVar contains an entry for this variant (Variation ID: 1994814). Invitae Evidence Modeling of protein sequence and biophysical properties (such as structural, functional, and spatial information, amino acid conservation, physicochemical variation, residue mobility, and thermodynamic stability) indicates that this missense variant is not expected to disrupt RDH5 protein function with a negative predictive value of 80%. In summary, the available evidence is currently insufficient to determine the role of this variant in disease. Therefore, it has been classified as a Variant of Uncertain Significance.